The following is an entry in ClinVar:

ClinVar aggregate classification (germline): Uncertain significance (1 of 4 stars; one submission).

Conditions:
CHARGE syndrome (CHARGE). Also called: Hittner Hirsch Kreh syndrome; CHARGE ASSOCIATION--COLOBOMA, HEART ANOMALY, CHOANAL ATRESIA, RETARDATION, GENITAL AND EAR ANOMALIES; Coloboma, heart anomaly, choanal atresia, retardation, genital and ear anomalies; CHARGE association; Hall-Hittner syndrome. Identifiers: Orphanet 138, MedGen C0265354, MONDO:0008965.

gnomAD v4.1: 1 of 1,613,934 alleles (0.000062%); highest among the groups gnomAD compares: Admixed American, 0.0017%; no homozygotes.

Submission:

Labcorp Genetics (formerly Invitae), Labcorp
Classification: Uncertain significance for CHARGE syndrome. Last evaluated: 2024-07-10. Review status: criteria provided, single submitter. Criteria: Invitae Variant Classification Sherloc (09022015). Collection method: clinical testing. Allele origin: germline.
Comment: This sequence change replaces asparagine, which is neutral and polar, with serine, which is neutral and polar, at codon 1096 of the CHD7 protein (p.Asn1096Ser). This variant is not present in population databases (gnomAD no frequency). This variant has not been reported in the literature in individuals affected with CHD7-related conditions. Advanced modeling of protein sequence and biophysical properties (such as structural, functional, and spatial information, amino acid conservation, physicochemical variation, residue mobility, and thermodynamic stability) performed at Invitae indicates that this missense variant is not expected to disrupt CHD7 protein function with a negative predictive value of 95%. In summary, the available evidence is currently insufficient to determine the role of this variant in disease. Therefore, it has been classified as a Variant of Uncertain Significance.

NM_017780.4(CHD7):c.3287A>G (p.Asn1096Ser)

Gene: CHD7 (chromodomain helicase DNA binding protein 7; plus strand). Cytogenetic location: 8q12.2.
Variant type: single nucleotide variant.
Coding change: c.3287A>G on transcript NM_017780.4 (MANE Select); coding-DNA position 3287, A replaced by G.
Protein change: p.Asn1096Ser; replaces asparagine 1096 with serine.
Molecular consequence: missense variant. On other transcripts: intron variant (1).
Genome position (GRCh38, 1-based): chr8:60,823,925, A>G. VCF-style: chr8-60823925-A-G. GRCh37 (hg19) VCF-style: chr8-61736484-A-G.
Other names: c.1717-38304A>G (NM_001316690.1); short protein forms N1096S.
Identifiers: ClinVar variation 3669079 (VCV003669079.2).